The following is an entry in ClinVar:

NM_000548.5(TSC2):c.2548C>G (p.Leu850Val)

Gene: TSC2 (TSC complex subunit 2; plus strand). Cytogenetic location: 16p13.3.
Variant type: single nucleotide variant.
Coding change: c.2548C>G on transcript NM_000548.5 (MANE Select); coding-DNA position 2548, C replaced by G.
Protein change: p.Leu850Val; replaces leucine 850 with valine.
Molecular consequence: missense variant.
Genome position (GRCh38, 1-based): chr16:2,075,801, C>G. VCF-style: chr16-2075801-C-G. GRCh37 (hg19) VCF-style: chr16-2125802-C-G.
Other names: c.2437C>G, p.Leu813Val (NM_001318827.2); c.2401C>G, p.Leu801Val (NM_001318829.2); c.1948C>G, p.Leu650Val (NM_001318831.2); c.2581C>G, p.Leu861Val (NM_001318832.2); c.2548C>G, p.Leu850Val (NM_001363528.2, NM_001370404.1, NM_001370405.1 and 3 more transcripts); short protein forms L650V, L801V, L813V, L850V, L861V.
Identifiers: ClinVar variation 1012032 (VCV001012032.10), dbSNP rs2089256658, ClinGen allele CA394278263.

ClinVar aggregate classification (germline): Uncertain significance. Review status: criteria provided, multiple submitters, no conflicts (2 of 4 stars). 2 submissions from 2 submitters: Uncertain significance (2). Last evaluated 2022-03-08.

Conditions:
Tuberous sclerosis 2 (TSC2). Identifiers: Orphanet 805, MedGen C1860707, MONDO:0013199, OMIM 613254.
Hereditary cancer-predisposing syndrome. Also called: Tumor predisposition; Hereditary Cancer Syndrome; Neoplastic Syndromes, Hereditary; Hereditary neoplastic syndrome. Identifiers: Orphanet 140162, MedGen C0027672, MeSH D009386, MONDO:0015356.

Submissions (2):

Ambry Genetics
Classification: Uncertain significance for Hereditary cancer-predisposing syndrome. Last evaluated: 2022-03-08. Review status: criteria provided, single submitter. Criteria: Ambry Variant Classification Scheme 2023. Collection method: clinical testing. Allele origin: germline.
Comment: The p.L850V variant (also known as c.2548C>G), located in coding exon 22 of the TSC2 gene, results from a C to G substitution at nucleotide position 2548. The leucine at codon 850 is replaced by valine, an amino acid with highly similar properties. This amino acid position is highly conserved in available vertebrate species. In addition, this alteration is predicted to be deleterious by in silico analysis. Since supporting evidence is limited at this time, the clinical significance of this alteration remains unclear.

Labcorp Genetics (formerly Invitae), Labcorp
Classification: Uncertain significance for Tuberous sclerosis 2. Last evaluated: 2020-07-25. Review status: criteria provided, single submitter. Criteria: Invitae Variant Classification Sherloc (09022015). Collection method: clinical testing. Allele origin: germline.
Comment: In summary, the available evidence is currently insufficient to determine the role of this variant in disease. Therefore, it has been classified as a Variant of Uncertain Significance. Algorithms developed to predict the effect of missense changes on protein structure and function are either unavailable or do not agree on the potential impact of this missense change (SIFT: "Deleterious"; PolyPhen-2: "Possibly Damaging"; Align-GVGD: "Class C0"). This variant has not been reported in the literature in individuals with TSC2-related conditions. This variant is not present in population databases (ExAC no frequency). This sequence change replaces leucine with valine at codon 850 of the TSC2 protein (p.Leu850Val). The leucine residue is highly conserved and there is a small physicochemical difference between leucine and valine.